The following is an entry in ClinVar:

NM_001143854.2(RPH3A):c.1920G>T (p.Trp640Cys)

Gene: RPH3A (rabphilin 3A; plus strand). Cytogenetic location: 12q24.13.
Variant type: single nucleotide variant.
Coding change: c.1920G>T on transcript NM_001143854.2 (MANE Select); coding-DNA position 1920, G replaced by T.
Protein change: p.Trp640Cys; replaces tryptophan 640 with cysteine.
Molecular consequence: missense variant. On other transcripts: non-coding transcript variant (2).
Genome position (GRCh38, 1-based): chr12:112,895,839, G>T. VCF-style: chr12-112895839-G-T. GRCh37 (hg19) VCF-style: chr12-113333644-G-T.
Other names: c.1920G>T, p.Trp640Cys (NM_001347952.2, NM_001347953.1, NM_001347954.2); c.1719G>T, p.Trp573Cys (NM_001347955.2); c.1908G>T, p.Trp636Cys (NM_014954.4); short protein forms W636C, W640C, W573C.
Identifiers: ClinVar variation 3665189 (VCV003665189.2).
Genomic context (GRCh38, chr12:112,895,839, plus strand): 5'-GTTTTTCTATGACATCAAACACAGTGACCTGGCAAAGAAGTCACTGGACATTTCAGTCTG[G>T]GACTATGACATCGGCAAGTCCAATGATTACATCGGTGAGTGTTCCTAACTCCAGAGAAAA-3'
Protein context (NP_001137326.1, residues 630-650): LAKKSLDISV[Trp640Cys]DYDIGKSNDY

ClinVar aggregate classification (germline): Uncertain significance (1 of 4 stars; one submission).

Submission:

Labcorp Genetics (formerly Invitae), Labcorp
Classification: Uncertain significance. Last evaluated: 2024-10-23. Review status: criteria provided, single submitter. Criteria: Invitae Variant Classification Sherloc (09022015). Collection method: clinical testing. Allele origin: germline.
Comment: This sequence change replaces tryptophan, which is neutral and slightly polar, with cysteine, which is neutral and slightly polar, at codon 640 of the RPH3A protein (p.Trp640Cys). This variant is not present in population databases (gnomAD no frequency). This variant has not been reported in the literature in individuals affected with RPH3A-related conditions. Invitae Evidence Modeling of protein sequence and biophysical properties (such as structural, functional, and spatial information, amino acid conservation, physicochemical variation, residue mobility, and thermodynamic stability) indicates that this missense variant is expected to disrupt RPH3A protein function with a positive predictive value of 80%. In summary, the available evidence is currently insufficient to determine the role of this variant in disease. Therefore, it has been classified as a Variant of Uncertain Significance.